The following is an entry in ClinVar:

NM_025114.4(CEP290):c.6933_6936del (p.Lys2312fs)

Gene: CEP290 (centrosomal protein 290; minus strand). Cytogenetic location: 12q21.32.
Variant type: Deletion.
Coding change: c.6933_6936del on transcript NM_025114.4 (MANE Select); coding-DNA positions 6933 to 6936, 4 bases deleted (CAAA; older notation c.6933_6936delCAAA).
Protein change: p.Lys2312fs; shifts the reading frame from lysine 2312.
Molecular consequence: frameshift variant.
Genome position (GRCh38, 1-based): chr12:88,055,600-88,055,603, TTTG deleted on the plus strand (CAAA on the coding strand, the reverse complement: CEP290 is on the minus strand); deleting any 4 consecutive bases within chr12:88,055,600-88,055,605 gives the same sequence; the c. name uses the placement nearest the transcript's 3' end. VCF-style (leftmost placement, unchanged base first): chr12-88055599-ATTTG-A. GRCh37 (hg19) VCF-style: chr12-88449376-ATTTG-A.
Other names: short protein forms K2312fs.
Identifiers: ClinVar variation 5014713 (VCV005014713.1).

ClinVar aggregate classification (germline): Pathogenic (1 of 4 stars; one submission).

Conditions:
CEP290-related ciliopathy. Also called: CEP290 ciliopathy. Identifiers: MedGen CN305601, MONDO:0100451.

Submission:

Myriad Genetics, Inc.
Classification: Pathogenic for CEP290-related ciliopathy. Last evaluated: 2025-07-13. Review status: criteria provided, single submitter. Criteria: Myriad Autosomal Dominant, Autosomal Recessive and X-Linked Classification Criteria (2023). Collection method: clinical testing. Allele origin: unknown.
Comment: NM_025114.3(CEP290):c.6933_6936delCAAA(K2312Tfs*34) is expected to be pathogenic in the context of CEP290-related disorders. This variant is predicted to lead to an abnormal or absent protein product due to the creation of a premature termination codon in CEP290, a gene where loss-of-function variants are known to be pathogenic. Please note: this variant was assessed in the context of healthy population screening.